The following is an entry in ClinVar:

NM_003070.5(SMARCA2):c.2991+4C>T

Gene: SMARCA2 (SWI/SNF related BAF chromatin remodeling complex subunit ATPase 2; plus strand). Cytogenetic location: 9p24.3.
Variant type: single nucleotide variant.
Coding change: c.2991+4C>T on transcript NM_003070.5 (MANE Select); 4 bases into the intron after coding-DNA position 2991, C replaced by T.
Molecular consequence: intron variant.
Genome position (GRCh38, 1-based): chr9:2,096,768, C>T. VCF-style: chr9-2096768-C-T. GRCh37 (hg19) VCF-style: chr9-2096768-C-T.
Other names: c.2991+4C>T (NM_139045.4, NM_001289396.2, NM_003070.4); c.2817+4C>T (NM_001289397.2).
Identifiers: ClinVar variation 2885932 (VCV002885932.5), dbSNP rs368570953, ClinGen allele CA187908088.

ClinVar aggregate classification (germline): Conflicting classifications of pathogenicity. Review status: criteria provided, conflicting classifications (1 of 4 stars). 3 submissions from 3 submitters: Uncertain significance (2); Likely benign (1). Last evaluated 2026-05-13.

Conditions:
SMARCA2-related disorder. Also called: SMARCA2-related condition.

Allele frequency attached by ClinVar (database versions not stated): gnomAD 0.00001; gnomAD exomes 0.00001; TOPMed 0.00003; ESP Exome Variant Server 0.00008.
gnomAD v4.1: 22 of 1,582,020 alleles (0.0014%); highest among the groups gnomAD compares: African/African-American, 0.0027%; no homozygotes.

Submissions (3):

Women's Health and Genetics/Laboratory Corporation of America, LabCorp
Classification: Uncertain significance. Last evaluated: 2026-05-13. Review status: criteria provided, single submitter. Criteria: LabCorp Variant Classification Summary - May 2015. Collection method: clinical testing. Allele origin: germline.
Comment: Variant summary: SMARCA2 c.2991+4C>T alters a nucleotide located close to a canonical splice site and therefore could affect mRNA splicing, leading to a significantly altered protein sequence. Consensus agreement among computation tools predict no significant impact on normal splicing. However, these predictions have yet to be confirmed by functional studies. The variant allele was found at a frequency of 4e-06 in 251340 control chromosomes. The available data on variant occurrences in the general population are insufficient to allow any conclusion about variant significance. To our knowledge, no occurrence of c.2991+4C>T in individuals affected with SMARCA2-related conditions and no experimental evidence demonstrating its impact on protein function have been reported. ClinVar contains an entry for this variant (Variation ID: 2885932). Based on the evidence outlined above, the variant was classified as uncertain significance.

PreventionGenetics, part of Exact Sciences
Classification: Likely benign for SMARCA2-related condition. Last evaluated: 2025-10-24. Review status: criteria provided, single submitter. Criteria: ACMG Guidelines, 2015. Collection method: clinical testing. Allele origin: germline.
Comment: This variant is classified as likely benign based on ACMG/AMP sequence variant interpretation guidelines (Richards et al. 2015 PMID: 25741868, with internal and published modifications).

Labcorp Genetics (formerly Invitae), Labcorp
Classification: Uncertain significance. Last evaluated: 2025-02-07. Review status: criteria provided, single submitter. Criteria: Invitae Variant Classification Sherloc (09022015). Collection method: clinical testing. Allele origin: germline.
Comment: This sequence change falls in intron 20 of the SMARCA2 gene. It does not directly change the encoded amino acid sequence of the SMARCA2 protein. It affects a nucleotide within the consensus splice site. This variant is present in population databases (rs368570953, gnomAD 0.007%). This variant has not been reported in the literature in individuals affected with SMARCA2-related conditions. ClinVar contains an entry for this variant (Variation ID: 2885932). Variants that disrupt the consensus splice site are a relatively common cause of aberrant splicing (PMID: 17576681, 9536098). Algorithms developed to predict the effect of sequence changes on RNA splicing suggest that this variant is not likely to affect RNA splicing. In summary, the available evidence is currently insufficient to determine the role of this variant in disease. Therefore, it has been classified as a Variant of Uncertain Significance.

Literature cited by the submitters: PubMed 17576681 (cited by Labcorp Genetics (formerly Invitae), Labcorp); PubMed 9536098 (cited by Labcorp Genetics (formerly Invitae), Labcorp).